The following is an entry in ClinVar:

ClinVar aggregate classification (germline): Uncertain significance. Review status: criteria provided, multiple submitters, no conflicts (2 of 4 stars). 2 submissions from 2 submitters: Uncertain significance (2). Last evaluated 2025-06-12.

Allele frequency attached by ClinVar (database versions not stated): ExAC 0.00002.

Submissions (2):

Ambry Genetics
Classification: Uncertain significance. Last evaluated: 2025-06-12. Review status: criteria provided, single submitter. Criteria: Ambry Variant Classification Scheme 2023. Collection method: clinical testing. Allele origin: germline.

Labcorp Genetics (formerly Invitae), Labcorp
Classification: Uncertain significance. Last evaluated: 2022-04-20. Review status: criteria provided, single submitter. Criteria: Invitae Variant Classification Sherloc (09022015). Collection method: clinical testing. Allele origin: germline.
Comment: This variant is present in population databases (rs749329410, gnomAD 0.0009%). In summary, the available evidence is currently insufficient to determine the role of this variant in disease. Therefore, it has been classified as a Variant of Uncertain Significance. Algorithms developed to predict the effect of missense changes on protein structure and function are either unavailable or do not agree on the potential impact of this missense change (SIFT: "Tolerated"; PolyPhen-2: "Possibly Damaging"; Align-GVGD: "Class C0"). This variant has not been reported in the literature in individuals affected with ICOSLG-related conditions. This sequence change replaces valine, which is neutral and non-polar, with alanine, which is neutral and non-polar, at codon 25 of the ICOSLG protein (p.Val25Ala).

NM_015259.6(ICOSLG):c.74T>C (p.Val25Ala)

Gene: ICOSLG (inducible T cell costimulator ligand; minus strand). Cytogenetic location: 21q22.3.
Variant type: single nucleotide variant.
Coding change: c.74T>C on transcript NM_015259.6 (MANE Select); coding-DNA position 74, T replaced by C.
Protein change: p.Val25Ala; replaces valine 25 with alanine.
Molecular consequence: missense variant. On other transcripts: 5 prime UTR variant (1), intron variant (2).
Genome position (GRCh38, 1-based): chr21:44,237,199, A>G on the plus strand (T>C on the coding strand, the complement: ICOSLG is on the minus strand). VCF-style: chr21-44237199-A-G. GRCh37 (hg19) VCF-style: chr21-45657082-A-G.
Other names: c.74T>C, p.Val25Ala (NM_001283050.2, NM_001395918.1); c.-8T>C (NM_001365759.2); c.55+1249T>C (NM_001283051.2); c.-48-134T>C (NM_001283052.2); c.74T>C (NM_015259.4); short protein forms V25A.
Identifiers: ClinVar variation 1969584 (VCV001969584.6), dbSNP rs749329410, ClinGen allele CA321498495.